The following is an entry in ClinVar:

NM_001319074.4(RAX2):c.547C>A (p.Pro183Thr)

Gene: RAX2 (retina and anterior neural fold homeobox 2; minus strand). Cytogenetic location: 19p13.3.
Variant type: single nucleotide variant.
Coding change: c.547C>A on transcript NM_001319074.4 (MANE Select); coding-DNA position 547, C replaced by A.
Protein change: p.Pro183Thr; replaces proline 183 with threonine.
Molecular consequence: missense variant.
Genome position (GRCh38, 1-based): chr19:3,770,629, G>T on the plus strand (C>A on the coding strand, the complement: RAX2 is on the minus strand). VCF-style: chr19-3770629-G-T. GRCh37 (hg19) VCF-style: chr19-3770627-G-T.
Other names: c.547C>A, p.Pro183Thr (NM_032753.4); short protein forms P183T.
Identifiers: ClinVar variation 1364312 (VCV001364312.6), dbSNP rs1271231378, ClinGen allele CA403373922.

ClinVar aggregate classification (germline): Uncertain significance (1 of 4 stars; one submission).

Allele frequency attached by ClinVar (database versions not stated): gnomAD exomes 0.00001 and 0.00002; gnomAD 0.00002; TOPMed 0.00002.

Submission:

Labcorp Genetics (formerly Invitae), Labcorp
Classification: Uncertain significance. Last evaluated: 2025-09-02. Review status: criteria provided, single submitter. Criteria: Invitae Variant Classification Sherloc (09022015). Collection method: clinical testing. Allele origin: germline.
Comment: This sequence change replaces proline, which is neutral and non-polar, with threonine, which is neutral and polar, at codon 183 of the RAX2 protein (p.Pro183Thr). The frequency data for this variant in the population databases is considered unreliable, as metrics indicate poor data quality at this position in the gnomAD database. This missense change has been observed in individual(s) with clinical features of inherited retinal dystrophy (internal data). ClinVar contains an entry for this variant (Variation ID: 1364312). An algorithm developed to predict the effect of missense changes on protein structure and function (PolyPhen-2) suggests that this variant is likely to be tolerated. In summary, the available evidence is currently insufficient to determine the role of this variant in disease. Therefore, it has been classified as a Variant of Uncertain Significance.